The following is an entry in ClinVar:

NM_198469.4(MORN5):c.-2C>T

Genes: MORN5 (MORN repeat containing 5; plus strand), LOC113839504 (Sharpr-MPRA regulatory region 3979; plus strand). Cytogenetic location: 9q33.2.
Variant type: single nucleotide variant.
Coding change: c.-2C>T on transcript NM_198469.4 (MANE Select); 2 bases upstream of the start codon, C replaced by T.
Molecular consequence: 5 prime UTR variant.
Genome position (GRCh38, 1-based): chr9:122,159,971, C>T. VCF-style: chr9-122159971-C-T. GRCh37 (hg19) VCF-style: chr9-124922250-C-T.
Other names: c.-2C>T (NM_001286828.2).
Identifiers: ClinVar variation 1879742 (VCV001879742.29), dbSNP rs72767777, ClinGen allele CA5223554.
Genomic context (GRCh38, chr9:122,159,971, plus strand): 5'-ATAGTGATGCCGTATCCACTGAGACTCCGGATCCTAACAGCTGGAAGCTAAAAACAGGCG[C>T]CATGGAGTACACAGGGAGCAAATATATCGGGGAATATGTAGATGGGAGGTAAGGGGCTCA-3'

ClinVar aggregate classification (germline): Benign (1 of 4 stars; one submission).

Allele frequency attached by ClinVar (database versions not stated): 1000 Genomes Project 0.00140; 1000 Genomes Project 30x 0.00156; TOPMed 0.00574; gnomAD 0.00588; ESP Exome Variant Server 0.00800.
gnomAD v4.1: 15,146 of 1,613,744 alleles (0.94%); highest among the groups gnomAD compares: Non-Finnish European, 1.2%; 111 homozygotes.

Submission:

CeGaT Center for Human Genetics Tuebingen
Classification: Benign. Last evaluated: 2023-01-01. Review status: criteria provided, single submitter. Criteria: CeGaT Center For Human Genetics Tuebingen Variant Classification Criteria Version 2. Collection method: clinical testing. Allele origin: germline. Affected: yes. Observed: 3 variant alleles.
Comment: MORN5: BP4, BS1, BS2